The following is an entry in ClinVar:

ClinVar aggregate classification (germline): Uncertain significance (1 of 4 stars; one submission).

gnomAD v4.1: 1 of 1,591,334 alleles (0.000063%); highest among the groups gnomAD compares: Non-Finnish European, 0.000086%; no homozygotes.

Submission:

CeGaT Center for Human Genetics Tuebingen
Classification: Uncertain significance. Last evaluated: 2024-09-01. Review status: criteria provided, single submitter. Criteria: CeGaT Center For Human Genetics Tuebingen Variant Classification Criteria Version 2. Collection method: clinical testing. Allele origin: germline. Affected: yes. Observed: 1 variant allele.
Comment: COL5A2: PM2

NM_000393.5(COL5A2):c.2318C>T (p.Pro773Leu)

Gene: COL5A2 (collagen type V alpha 2 chain; minus strand). Cytogenetic location: 2q32.2.
Variant type: single nucleotide variant.
Coding change: c.2318C>T on transcript NM_000393.5 (MANE Select); coding-DNA position 2318, C replaced by T.
Protein change: p.Pro773Leu; replaces proline 773 with leucine.
Molecular consequence: missense variant.
Genome position (GRCh38, 1-based): chr2:189,057,339, G>A on the plus strand (C>T on the coding strand, the complement: COL5A2 is on the minus strand). VCF-style: chr2-189057339-G-A. GRCh37 (hg19) VCF-style: chr2-189922065-G-A.
Other names: short protein forms P773L.
Identifiers: ClinVar variation 3389638 (VCV003389638.14).